The following is an entry in ClinVar:

NM_006420.3(ARFGEF2):c.3007C>T (p.Gln1003Ter)

Gene: ARFGEF2 (ARF guanine nucleotide exchange factor 2; plus strand). Cytogenetic location: 20q13.13.
Variant type: single nucleotide variant.
Coding change: c.3007C>T on transcript NM_006420.3 (MANE Select); coding-DNA position 3007, C replaced by T.
Protein change: p.Gln1003Ter; replaces glutamine 1003 with a stop codon.
Molecular consequence: nonsense.
Genome position (GRCh38, 1-based): chr20:48,994,484, C>T. VCF-style: chr20-48994484-C-T. GRCh37 (hg19) VCF-style: chr20-47611021-C-T.
Other names: c.3004C>T, p.Gln1002Ter (NM_001410846.1); short protein forms Q1002*, Q1003*.
Identifiers: ClinVar variation 4851993 (VCV004851993.1).

ClinVar aggregate classification (germline): Pathogenic (1 of 4 stars; one submission).

Submission:

Dasa
Classification: Pathogenic. Last evaluated: 2024-10-23. Review status: criteria provided, single submitter. Criteria: DASA Assertion Criteria. Collection method: clinical testing. Allele origin: germline.
Comment: NM_006420.3(ARFGEF2):c.3007C>T (p.Gln1003*) introduces a premature termination codon predicted to result in loss of normal protein function. Loss-of-function is an established mechanism of disease for this gene. Based on the available data, this variant is classified as pathogenic.